The following is an entry in ClinVar:

NM_001386140.1(MTTP):c.2233_2234insACGACGATCA (p.Ser745fs)

Gene: MTTP (microsomal triglyceride transfer protein; plus strand). Cytogenetic location: 4q23.
Variant type: Insertion.
Coding change: c.2233_2234insACGACGATCA on transcript NM_001386140.1 (MANE Select); coding-DNA positions 2233 to 2234, ACGACGATCA inserted.
Protein change: p.Ser745fs; shifts the reading frame from serine 745.
Molecular consequence: frameshift variant.
Genome position: GRCh38 VCF-style: chr4-99618989-T-TACGACGATCA. GRCh37 (hg19) VCF-style: chr4-100540146-T-TACGACGATCA.
Other names: c.2233_2234insACGACGATCA, p.Ser745fs (NM_000253.4); c.1984_1985insACGACGATCA, p.Ser662fs (NM_001300785.2); short protein forms S662fs, S745fs.
Identifiers: ClinVar variation 5016425 (VCV005016425.1).

ClinVar aggregate classification (germline): Pathogenic (1 of 4 stars; one submission).

Conditions:
Abetalipoproteinaemia (ABL). Also called: MTP DEFICIENCY; Abetalipoproteinemia; Abetalipoproteinemia neuropathy; Apolipoprotein B deficiency; Congenital betalipoprotein deficiency syndrome. Identifiers: Orphanet 14, MedGen C0000744, MONDO:0008692, OMIM 200100, HP:0008181.

Submission:

Myriad Genetics, Inc.
Classification: Pathogenic for Abetalipoproteinaemia. Last evaluated: 2024-05-14. Review status: criteria provided, single submitter. Criteria: Myriad Autosomal Dominant, Autosomal Recessive and X-Linked Classification Criteria (2023). Collection method: clinical testing. Allele origin: unknown.
Comment: NM_000253.2(MTTP):c.2233_2234ins10(S745Yfs*19) is expected to be pathogenic in the context of abetalipoproteinemia. This variant is predicted to lead to an abnormal or absent protein product due to the creation of a premature termination codon in MTTP, a gene where loss-of-function variants are known to be pathogenic. Please note: this variant was assessed in the context of healthy population screening.